The following is an entry in ClinVar:

ClinVar aggregate classification (germline): Uncertain significance (1 of 4 stars; one submission).

Conditions:
X-linked distal spinal muscular atrophy type 3. Also called: NEURONOPATHY, DISTAL HEREDITARY MOTOR, X-LINKED; NEUROPATHY, DISTAL HEREDITARY MOTOR, X-LINKED; ATP7A-Related Distal Motor Neuropathy; SPINAL MUSCULAR ATROPHY, DISTAL, X-LINKED RECESSIVE. Identifiers: Orphanet 139557, MedGen C1845359, MONDO:0010338, OMIM 300489.
Menkes kinky-hair syndrome (MNK). Also called: Classic Menkes Disease; Copper transport disease; Menkes Disease. Identifiers: Orphanet 565, MedGen C0022716, MONDO:0010651, OMIM 309400.
Cutis laxa, X-linked (OHS). Also called: EDS IX; Occipital horn syndrome. Identifiers: Orphanet 198, MedGen C0268353, MONDO:0010572, OMIM 304150.

Allele frequency attached by ClinVar (database versions not stated): gnomAD exomes below 0.00001.
gnomAD v4.1: 1 of 1,211,445 alleles (0.000083%); highest among the groups gnomAD compares: Admixed American, 0.0022%; no homozygotes.

Submission:

Labcorp Genetics (formerly Invitae), Labcorp
Classification: Uncertain significance for X-linked distal spinal muscular atrophy type 3; Cutis laxa, X-linked; Menkes kinky-hair syndrome. Last evaluated: 2025-10-06. Review status: criteria provided, single submitter. Criteria: Invitae Variant Classification Sherloc (09022015). Collection method: clinical testing. Allele origin: germline.
Comment: This sequence change replaces serine, which is neutral and polar, with isoleucine, which is neutral and non-polar, at codon 346 of the ATP7A protein (p.Ser346Ile). This variant is not present in population databases (gnomAD no frequency). This variant has not been reported in the literature in individuals affected with ATP7A-related conditions. ClinVar contains an entry for this variant (Variation ID: 2420207). Invitae Evidence Modeling of protein sequence and biophysical properties (such as structural, functional, and spatial information, amino acid conservation, physicochemical variation, residue mobility, and thermodynamic stability) indicates that this missense variant is not expected to disrupt ATP7A protein function with a negative predictive value of 95%. In summary, the available evidence is currently insufficient to determine the role of this variant in disease. Therefore, it has been classified as a Variant of Uncertain Significance.

NM_000052.7(ATP7A):c.1037G>T (p.Ser346Ile)

Gene: ATP7A (ATPase copper transporting alpha; plus strand). Cytogenetic location: Xq21.1.
Variant type: single nucleotide variant.
Coding change: c.1037G>T on transcript NM_000052.7 (MANE Select); coding-DNA position 1037, G replaced by T.
Protein change: p.Ser346Ile; replaces serine 346 with isoleucine.
Molecular consequence: missense variant.
Genome position (GRCh38, 1-based): chrX:77,989,659, G>T. VCF-style: chrX-77989659-G-T. GRCh37 (hg19) VCF-style: chrX-77245155-G-T.
Other names: c.1037G>T, p.Ser346Ile (NM_001282224.2); short protein forms S346I.
Identifiers: ClinVar variation 2420207 (VCV002420207.5), dbSNP rs2522294418, ClinGen allele CA413601672.
Genomic context (GRCh38, chrX:77,989,659, plus strand): 5'-TCACTCCAGAATCCCTGAGAAAAGCAATAGAGGCTGTATCACCGGGGCTATATAGAGTTA[G>T]TATCACAAGTGAAGTTGAGAGTACCTCAAACTCTCCCTCCAGCTCATCTCTTCAGAAGAT-3'
Protein context (NP_000043.4, residues 336-356): EAVSPGLYRV[Ser346Ile]ITSEVESTSN